The following is an entry in ClinVar:

ClinVar aggregate classification (germline): Uncertain significance (1 of 4 stars; one submission).

Conditions:
Leukocyte adhesion deficiency 1 (LAD1). Also called: LEUKOCYTE ADHESION DEFICIENCY, TYPE I; LAD 1; Lymphocyte function-associated antigen 1 immunodeficiency; LFA 1 immunodeficiency. Identifiers: Orphanet 2968, Orphanet 99842, MedGen C0398738, MONDO:0007293, OMIM 116920.

gnomAD v4.1: 84 of 1,613,956 alleles (0.0052%); highest among the groups gnomAD compares: South Asian, 0.058%; no homozygotes.

Submission:

Labcorp Genetics (formerly Invitae), Labcorp
Classification: Uncertain significance for Leukocyte adhesion deficiency 1. Last evaluated: 2025-10-21. Review status: criteria provided, single submitter. Criteria: Invitae Variant Classification Sherloc (09022015). Collection method: clinical testing. Allele origin: germline.
Comment: This sequence change replaces glycine, which is neutral and non-polar, with serine, which is neutral and polar, at codon 42 of the ITGB2 protein (p.Gly42Ser). This variant is present in population databases (rs552407409, gnomAD 0.07%). This variant has not been reported in the literature in individuals affected with ITGB2-related conditions. ClinVar contains an entry for this variant (Variation ID: 2075764). Invitae Evidence Modeling of protein sequence and biophysical properties (such as structural, functional, and spatial information, amino acid conservation, physicochemical variation, residue mobility, and thermodynamic stability) has been performed for this missense variant. However, the output from this modeling did not meet the statistical confidence thresholds required to predict the impact of this variant on ITGB2 protein function. In summary, the available evidence is currently insufficient to determine the role of this variant in disease. Therefore, it has been classified as a Variant of Uncertain Significance.

NM_000211.5(ITGB2):c.124G>A (p.Gly42Ser)

Gene: ITGB2 (integrin subunit beta 2; minus strand). Cytogenetic location: 21q22.3.
Variant type: single nucleotide variant.
Coding change: c.124G>A on transcript NM_000211.5 (MANE Select); coding-DNA position 124, G replaced by A.
Protein change: p.Gly42Ser; replaces glycine 42 with serine.
Molecular consequence: missense variant. On other transcripts: 5 prime UTR variant (1).
Genome position (GRCh38, 1-based): chr21:44,910,307, C>T on the plus strand (G>A on the coding strand, the complement: ITGB2 is on the minus strand). VCF-style: chr21-44910307-C-T. GRCh37 (hg19) VCF-style: chr21-46330222-C-T.
Other names: c.124G>A, p.Gly42Ser (NM_001127491.3); c.-84G>A (NM_001303238.2); short protein forms G42S.
Identifiers: ClinVar variation 2075764 (VCV002075764.2), dbSNP rs552407409, ClinGen allele CA10063391.